The following is an entry in ClinVar:

NM_000059.4(BRCA2):c.3902C>A (p.Thr1301Asn)

Gene: BRCA2 (BRCA2 DNA repair associated; plus strand). Cytogenetic location: 13q13.1.
Variant type: single nucleotide variant.
Coding change: c.3902C>A on transcript NM_000059.4 (MANE Select); coding-DNA position 3902, C replaced by A.
Protein change: p.Thr1301Asn; replaces threonine 1301 with asparagine.
Molecular consequence: missense variant.
Genome position (GRCh38, 1-based): chr13:32,338,257, C>A. VCF-style: chr13-32338257-C-A. GRCh37 (hg19) VCF-style: chr13-32912394-C-A.
Other names: short protein forms T1301N.
Identifiers: ClinVar variation 942812 (VCV000942812.12), dbSNP rs1455648880, ClinGen allele CA387778794.

ClinVar aggregate classification (germline): Conflicting classifications of pathogenicity. Review status: criteria provided, conflicting classifications (1 of 4 stars). 3 submissions from 3 submitters: Uncertain significance (2); Likely benign (1). Last evaluated 2026-01-04.

Conditions:
Hereditary cancer-predisposing syndrome. Also called: Tumor predisposition; Hereditary neoplastic syndrome; Hereditary Cancer Syndrome; Neoplastic Syndromes, Hereditary. Identifiers: Orphanet 140162, MedGen C0027672, MeSH D009386, MONDO:0015356.
Hereditary breast ovarian cancer syndrome. Also called: Hereditary breast and ovarian cancer; Breast and ovarian cancer; BRCA1- and BRCA2-Associated Hereditary Breast and Ovarian Cancer; Hereditary breast and ovarian cancer syndrome (HBOC); Hereditary breast and/or ovarian cancer syndrome; Hereditary breast and ovarian cancer syndrome. Identifiers: Orphanet 145, MedGen C0677776, MeSH D061325, MONDO:0003582. Disease mechanism: loss of function.

Submissions (3):

Ambry Genetics
Classification: Uncertain significance for Hereditary cancer-predisposing syndrome. Last evaluated: 2026-01-04. Review status: criteria provided, single submitter. Criteria: Ambry Variant Classification Scheme 2023. Collection method: clinical testing. Allele origin: germline.
Comment: The p.T1301N variant (also known as c.3902C>A), located in coding exon 10 of the BRCA2 gene, results from a C to A substitution at nucleotide position 3902. The threonine at codon 1301 is replaced by asparagine, an amino acid with similar properties. This amino acid position is conserved. In addition, this alteration is predicted to be tolerated by in silico analysis. Based on the available evidence, the clinical significance of this variant remains unclear.

University of Washington Department of Laboratory Medicine, University of Washington
Classification: Likely benign for Hereditary cancer-predisposing syndrome. Last evaluated: 2023-03-23. Review status: criteria provided, single submitter. Criteria: Dines et al. (Genet Med. 2020). Collection method: curation. Allele origin: germline.
Comment: Missense variant in a coldspot region where missense variants are very unlikely to be pathogenic (PMID:31911673).

BRCA2 exon 11 coldspot. Reclassification based on statistical prior probability.

Labcorp Genetics (formerly Invitae), Labcorp
Classification: Uncertain significance for Hereditary breast ovarian cancer syndrome. Last evaluated: 2019-09-25. Review status: criteria provided, single submitter. Criteria: Invitae Variant Classification Sherloc (09022015). Collection method: clinical testing. Allele origin: germline.
Comment: In summary, the available evidence is currently insufficient to determine the role of this variant in disease. Therefore, it has been classified as a Variant of Uncertain Significance. Algorithms developed to predict the effect of missense changes on protein structure and function output the following: SIFT: "Tolerated"; PolyPhen-2: "Possibly Damaging"; Align-GVGD: "Class C0". The asparagine amino acid residue is found in multiple mammalian species, suggesting that this missense change does not adversely affect protein function. These predictions have not been confirmed by published functional studies and their clinical significance is uncertain. This variant has not been reported in the literature in individuals with BRCA2-related conditions. This variant is not present in population databases (ExAC no frequency). This sequence change replaces threonine with asparagine at codon 1301 of the BRCA2 protein (p.Thr1301Asn). The threonine residue is weakly conserved and there is a small physicochemical difference between threonine and asparagine.